The following is an entry in ClinVar:

ClinVar aggregate classification (germline): Uncertain significance (1 of 4 stars; one submission).

Submission:

GeneDx
Classification: Uncertain significance. Last evaluated: 2019-05-06. Review status: criteria provided, single submitter. Criteria: GeneDx Variant Classification Process June 2021. Collection method: clinical testing. Allele origin: germline. Affected: yes.
Comment: Not observed in large population cohorts (Lek et al., 2016); In silico analysis, which includes protein predictors and evolutionary conservation, supports a deleterious effect; Has not been previously published as pathogenic or benign to our knowledge

NM_006015.6(ARID1A):c.5005G>A (p.Ala1669Thr)

Gene: ARID1A (AT-rich interaction domain 1A; plus strand). Cytogenetic location: 1p36.11.
Variant type: single nucleotide variant.
Coding change: c.5005G>A on transcript NM_006015.6 (MANE Select); coding-DNA position 5005, G replaced by A.
Protein change: p.Ala1669Thr; replaces alanine 1669 with threonine.
Molecular consequence: missense variant.
Genome position (GRCh38, 1-based): chr1:26,775,588, G>A. VCF-style: chr1-26775588-G-A. GRCh37 (hg19) VCF-style: chr1-27102079-G-A.
Other names: c.4354G>A, p.Ala1452Thr (NM_139135.4); short protein forms A1452T, A1669T.
Identifiers: ClinVar variation 1305511 (VCV001305511.2), dbSNP rs2124126222, ClinGen allele CA339181502.
Genomic context (GRCh38, chr1:26,775,588, plus strand): 5'-TCCAGCCAACCTGGGCTTGGTGGATAGACGACATGGAGGTTTATTTCAGGAACCCCGGAG[G>A]CATGGCGGGTAATGATGTCCCTCAAGTCTGGTCTCCTGGCAGAGAGCACATGGGCATTAG-3'
Protein context (NP_006006.3, residues 1659-1679): LTMKDIGTPE[Ala1669Thr]WRVMMSLKSG